The following is an entry in ClinVar:

ClinVar aggregate classification (germline): Uncertain significance (1 of 4 stars; one submission).

Submission:

GeneDx
Classification: Uncertain significance. Last evaluated: 2024-03-10. Review status: criteria provided, single submitter. Criteria: GeneDx Variant Classification Process June 2021. Collection method: clinical testing. Allele origin: germline. Affected: yes.
Comment: Not observed at significant frequency in large population cohorts (gnomAD); In silico analysis supports that this missense variant has a deleterious effect on protein structure/function; Has not been previously published as pathogenic or benign to our knowledge

NM_003072.5(SMARCA4):c.3887T>A (p.Val1296Glu)

Gene: SMARCA4 (SWI/SNF related BAF chromatin remodeling complex subunit ATPase 4; plus strand). Cytogenetic location: 19p13.2.
Variant type: single nucleotide variant.
Coding change: c.3887T>A on transcript NM_003072.5 (MANE Select); coding-DNA position 3887, T replaced by A.
Protein change: p.Val1296Glu; replaces valine 1296 with glutamic acid.
Molecular consequence: missense variant. On other transcripts: non-coding transcript variant (1).
Genome position (GRCh38, 1-based): chr19:11,034,136, T>A. VCF-style: chr19-11034136-T-A. GRCh37 (hg19) VCF-style: chr19-11144812-T-A.
Other names: c.3887T>A, p.Val1296Glu (NM_001128844.3, NM_001128849.3, NM_001387283.1); c.3788T>A, p.Val1263Glu (NM_001128845.2, NM_001128846.2, NM_001128847.4 and 3 more transcripts); short protein forms V1263E, V1296E.
Identifiers: ClinVar variation 3370858 (VCV003370858.1).